The following is an entry in ClinVar:

ClinVar aggregate classification (germline): Pathogenic (1 of 4 stars; one submission).

Submission:

GeneDx
Classification: Pathogenic. Last evaluated: 2013-02-01. Review status: criteria provided, single submitter. Criteria: GeneDx Variant Classification (06012015). Collection method: clinical testing. Allele origin: germline. Affected: yes.
Comment: c.1293_1298+2dupCGCCAGGT in exon 14 of the PNKP gene (NM_007254.2). Using uppercase to denote exonic bases and lowercase to denote intronic bases, the normal sequence with the bases that are duplicated in braces is: GCCG{CGCCAGgt}agcg.The c.1293_1298+2dupCGCCAGGT mutation results in the duplication of 8 nucleotides at the exon 14/intron 14 splice junction. This mutation is predicted to destroy the natural splice donor site in intron 14 and is expected to cause abnormal gene splicing, either leading to an abnormal message that is subject to nonsense-mediated mRNA decay or to an abnormal protein product if the message is used for protein translation. Although this duplication has not been previously reported to our knowledge, it is considered a disease-causing mutation.The variant is found in INFANT-EPI panel(s).

NM_007254.4(PNKP):c.1293_1298+2dup

Gene: PNKP (polynucleotide kinase 3'-phosphatase; minus strand). Cytogenetic location: 19q13.33.
Variant type: Duplication.
Coding change: c.1293_1298+2dup on transcript NM_007254.4 (MANE Select); coding-DNA position 1293 through the canonical splice donor site of the intron after coding-DNA position 1298, 8 bases duplicated (CGCCAGGT; older notation c.1293_1298+2dupCGCCAGGT).
Molecular consequence: splice donor variant.
Genome position (GRCh38, 1-based): chr19:49,861,770-49,861,777, ACCTGGCG duplicated on the plus strand (CGCCAGGT on the coding strand, the reverse complement: PNKP is on the minus strand). VCF-style (leftmost placement, unchanged base first): chr19-49861769-T-TACCTGGCG. GRCh37 (hg19) VCF-style: chr19-50365026-T-TACCTGGCG.
Identifiers: ClinVar variation 206427 (VCV000206427.1), dbSNP rs796052861, ClinGen allele CA316528.